The following is an entry in ClinVar:

NM_006565.4(CTCF):c.1423G>A (p.Val475Met)

Gene: CTCF (CCCTC-binding factor; plus strand). Cytogenetic location: 16q22.1.
Variant type: single nucleotide variant.
Coding change: c.1423G>A on transcript NM_006565.4 (MANE Select); coding-DNA position 1423, G replaced by A.
Protein change: p.Val475Met; replaces valine 475 with methionine.
Molecular consequence: missense variant.
Genome position (GRCh38, 1-based): chr16:67,626,620, G>A. VCF-style: chr16-67626620-G-A. GRCh37 (hg19) VCF-style: chr16-67660523-G-A.
Other names: c.439G>A, p.Val147Met (NM_001191022.2); c.1423G>A, p.Val475Met (NM_001363916.2); short protein forms V147M, V475M.
Identifiers: ClinVar variation 2672643 (VCV002672643.23), dbSNP rs2543484613, ClinGen allele CA396317724.
Genomic context (GRCh38, chr16:67,626,620, plus strand): 5'-CACTTGCGAAAGCAGCATTCCTATATTGAGCAAGGCAAGAAATGCCGTTACTGTGATGCT[G>A]TGTTTCATGAGCGCTATGCCCTCATCCAGCATCAGAAGTCACACAAGAATGAGAAGCGCT-3'
Protein context (NP_006556.1, residues 465-485): QGKKCRYCDA[Val475Met]FHERYALIQH

ClinVar aggregate classification (germline): Uncertain significance (1 of 4 stars; one submission).

gnomAD v4.1: 1 of 1,578,170 alleles (0.000063%); highest among the groups gnomAD compares: Non-Finnish European, 0.000086%; no homozygotes.

Submission:

CeGaT Center for Human Genetics Tuebingen
Classification: Uncertain significance. Last evaluated: 2023-11-01. Review status: criteria provided, single submitter. Criteria: CeGaT Center For Human Genetics Tuebingen Variant Classification Criteria Version 2. Collection method: clinical testing. Allele origin: germline. Affected: yes. Observed: 1 variant allele.
Comment: CTCF: PM2, PP2